The following is an entry in ClinVar:

ClinVar aggregate classification (germline): Uncertain significance (1 of 4 stars; one submission).

Submission:

Athena Diagnostics
Classification: Uncertain significance. Last evaluated: 2024-01-11. Review status: criteria provided, single submitter. Criteria: Athena Diagnostics Criteria. Collection method: clinical testing. Allele origin: unknown.
Comment: Available data are insufficient to determine the clinical significance of the variant at this time. This variant has not been reported in large, multi-ethnic general populations. Computational tools predict that this variant is not damaging.

NM_018109.4(MTPAP):c.740T>A (p.Phe247Tyr)

Gene: MTPAP (mitochondrial poly(A) polymerase; minus strand). Cytogenetic location: 10p11.23.
Variant type: single nucleotide variant.
Coding change: c.740T>A on transcript NM_018109.4 (MANE Select); coding-DNA position 740, T replaced by A.
Protein change: p.Phe247Tyr; replaces phenylalanine 247 with tyrosine.
Molecular consequence: missense variant.
Genome position (GRCh38, 1-based): chr10:30,336,843, A>T on the plus strand (T>A on the coding strand, the complement: MTPAP is on the minus strand). VCF-style: chr10-30336843-A-T. GRCh37 (hg19) VCF-style: chr10-30625772-A-T.
Other names: short protein forms F247Y.
Identifiers: ClinVar variation 3571767 (VCV003571767.1).
Genomic context (GRCh38, chr10:30,336,843, plus strand): 5'-GTCAAAAGAAATAGACTTACCTTGTGAGCGCTGAGGTTTCTGGTTTCATCTAGATCCAAA[A>T]ACATGTCCAAATCACATCCTAACTTCCCAAAAGTGTTGACTGAGGAGCCAAAGGGTCTGA-3'
Protein context (NP_060579.3, residues 237-257): FGKLGCDLDM[Phe247Tyr]LDLDETRNLS